The following is an entry in ClinVar:

ClinVar aggregate classification (germline): Uncertain significance (1 of 4 stars; one submission).

Submission:

GeneDx
Classification: Uncertain significance. Last evaluated: 2026-05-28. Review status: criteria provided, single submitter. Criteria: GeneDx Variant Classification Process June 2021. Collection method: clinical testing. Allele origin: germline.
Comment: Not observed at significant frequency in large population cohorts (gnomAD); Frameshift variant predicted to result in protein truncation or nonsense mediated decay in a gene or region of a gene for which loss of function is not a well-established mechanism of disease; Has not been previously published as pathogenic or benign to our knowledge

NM_001967.4(EIF4A2):c.978dup (p.Leu327fs)

Gene: EIF4A2 (eukaryotic translation initiation factor 4A2; plus strand). Cytogenetic location: 3q27.3.
Variant type: Duplication.
Coding change: c.978dup on transcript NM_001967.4 (MANE Select); coding-DNA position 978, one base duplicated (T; older notation c.978dupT).
Protein change: p.Leu327fs; shifts the reading frame from leucine 327.
Molecular consequence: frameshift variant.
Genome position (GRCh38, 1-based): chr3:186,787,563, T duplicated; the last of 2 consecutive T bases (chr3:186,787,562-186,787,563); duplicating either gives the same sequence. VCF-style (leftmost placement, unchanged base first): chr3-186787561-G-GT. GRCh37 (hg19) VCF-style: chr3-186505350-G-GT.
Other names: short protein forms L327fs.
Identifiers: ClinVar variation 3899079 (VCV003899079.2).